The following is an entry in ClinVar:

ClinVar aggregate classification (germline): Uncertain significance (1 of 4 stars; one submission).

Conditions:
Neurofibromatosis, type 1 (NF1). Also called: VON RECKLINGHAUSEN DISEASE; Neurofibromatosis, type I; NEUROFIBROMATOSIS, TYPE I, SOMATIC; Peripheral type neurofibromatosis. Identifiers: Orphanet 636, MedGen C0027831, MONDO:0018975, OMIM 162200. Disease mechanism: loss of function.

Allele frequency attached by ClinVar (database versions not stated): gnomAD exomes below 0.00001; ExAC 0.00001.
gnomAD v4.1: 1 of 1,614,050 alleles (0.000062%); highest among the groups gnomAD compares: South Asian, 0.0011%; no homozygotes.

Submission:

Labcorp Genetics (formerly Invitae), Labcorp
Classification: Uncertain significance for Neurofibromatosis, type 1. Last evaluated: 2021-04-05. Review status: criteria provided, single submitter. Criteria: Invitae Variant Classification Sherloc (09022015). Collection method: clinical testing. Allele origin: germline.
Comment: This sequence change replaces threonine with isoleucine at codon 2092 of the NF1 protein (p.Thr2092Ile). The threonine residue is moderately conserved and there is a moderate physicochemical difference between threonine and isoleucine. This variant is present in population databases (rs768982249, ExAC 0.006%). This variant has not been reported in the literature in individuals with NF1-related disease. Algorithms developed to predict the effect of missense changes on protein structure and function are either unavailable or do not agree on the potential impact of this missense change (SIFT: "Tolerated"; PolyPhen-2: "Probably Damaging"; Align-GVGD: "Class C0"). In summary, the available evidence is currently insufficient to determine the role of this variant in disease. Therefore, it has been classified as a Variant of Uncertain Significance.

NM_001042492.3(NF1):c.6338C>T (p.Thr2113Ile)

Gene: NF1 (neurofibromin 1; plus strand). Cytogenetic location: 17q11.2.
Variant type: single nucleotide variant.
Coding change: c.6338C>T on transcript NM_001042492.3 (MANE Select); coding-DNA position 6338, C replaced by T.
Protein change: p.Thr2113Ile; replaces threonine 2113 with isoleucine.
Molecular consequence: missense variant.
Genome position (GRCh38, 1-based): chr17:31,336,825, C>T. VCF-style: chr17-31336825-C-T. GRCh37 (hg19) VCF-style: chr17-29663843-C-T.
Other names: c.6275C>T, p.Thr2092Ile (NM_000267.4); short protein forms T2113I, T2092I.
Identifiers: ClinVar variation 651560 (VCV000651560.5), dbSNP rs768982249, ClinGen allele CA8487336.
Genomic context (GRCh38, chr17:31,336,825, plus strand): 5'-CCCTTGATGTGGCAGCTCATCTTCCCTACCTCTTCCACGTTGTTACTTTCTTAGTAGCCA[C>T]AGGTCCGCTCTCCCTTAGAGCTTCCACACATGGACTGGTCATTAATATCATTCACTCTCT-3'
Protein context (NP_001035957.1, residues 2103-2123): LFHVVTFLVA[Thr2113Ile]GPLSLRASTH